The following is an entry in ClinVar:

NM_001386795.1(DTNA):c.1915A>G (p.Asn639Asp)

Gene: DTNA (dystrobrevin alpha; plus strand). Cytogenetic location: 18q12.1.
Variant type: single nucleotide variant.
Coding change: c.1915A>G on transcript NM_001386795.1 (MANE Select); coding-DNA position 1915, A replaced by G.
Protein change: p.Asn639Asp; replaces asparagine 639 with aspartic acid.
Molecular consequence: missense variant.
Genome position (GRCh38, 1-based): chr18:34,877,730, A>G. VCF-style: chr18-34877730-A-G. GRCh37 (hg19) VCF-style: chr18-32457694-A-G.
Other names: c.1744A>G, p.Asn582Asp (NM_001386756.1, NM_001386757.1, NM_001386758.1 and 3 more transcripts); c.1741A>G, p.Asn581Asp (NM_001386760.1); c.1663A>G, p.Asn555Asp (NM_001386761.1, NM_032975.4); c.1660A>G, p.Asn554Asp (NM_001386762.1); c.1654A>G, p.Asn552Asp (NM_001386763.1, NM_001386764.1, NM_001386765.1 and 5 more transcripts); c.1675A>G, p.Asn559Asp (NM_001198939.2); c.961A>G, p.Asn321Asp (NM_001198942.1); c.904A>G, p.Asn302Asp (NM_001198943.1); and 5 more; short protein forms N559D, N612D, N302D, N551D, N552D, N581D, N260D, N321D.
Identifiers: ClinVar variation 1391714 (VCV001391714.8), dbSNP rs779045040, ClinGen allele CA8935885.
Genomic context (GRCh38, chr18:34,877,730, plus strand): 5'-AGGATAGAAGGAAGCTTTGGTTTTTTAAATTATTTCTTCTTCCCTGAAGGTTCAAGAAGA[A>G]ACTTAAGGAATGACTTGCTAGTGGCTGCAGATTCCATCACTAACACTATGTCCTCTCTTG-3'
Protein context (NP_001373724.1, residues 629-649): QEAFAQSSRR[Asn639Asp]LRNDLLVAAD

ClinVar aggregate classification (germline): Uncertain significance. Review status: criteria provided, multiple submitters, no conflicts (2 of 4 stars). 3 submissions from 3 submitters: Uncertain significance (3). Last evaluated 2025-11-03.

Conditions:
DTNA-related disorder. Also called: DTNA-related condition.
Left ventricular noncompaction 1 (LVNC1). Also called: LEFT VENTRICULAR NONCOMPACTION 1 WITH OR WITHOUT CONGENITAL HEART DEFECTS. Identifiers: Orphanet 54260, MedGen C1858725, MONDO:0011403, OMIM 604169.

Allele frequency attached by ClinVar (database versions not stated): gnomAD exomes 0.00002; TOPMed 0.00002; gnomAD 0.00005 and 0.00006; ExAC 0.00002.
gnomAD v4.1: 32 of 1,613,664 alleles (0.002%); highest among the groups gnomAD compares: Non-Finnish European, 0.0025%; no homozygotes.

Submissions (3):

Labcorp Genetics (formerly Invitae), Labcorp
Classification: Uncertain significance for Left ventricular noncompaction 1. Last evaluated: 2025-11-03. Review status: criteria provided, single submitter. Criteria: Invitae Variant Classification Sherloc (09022015). Collection method: clinical testing. Allele origin: germline.
Comment: This sequence change replaces asparagine, which is neutral and polar, with aspartic acid, which is acidic and polar, at codon 612 of the DTNA protein (p.Asn612Asp). This variant is present in population databases (rs779045040, gnomAD 0.005%). This variant has not been reported in the literature in individuals affected with DTNA-related conditions. ClinVar contains an entry for this variant (Variation ID: 1391714). An algorithm developed to predict the effect of missense changes on protein structure and function (PolyPhen-2) suggests that this variant is likely to be disruptive. In summary, the available evidence is currently insufficient to determine the role of this variant in disease. Therefore, it has been classified as a Variant of Uncertain Significance.

PreventionGenetics, part of Exact Sciences
Classification: Uncertain significance for DTNA-related condition. Last evaluated: 2025-04-28. Review status: criteria provided, single submitter. Criteria: ACMG Guidelines, 2015. Collection method: clinical testing. Allele origin: germline.
Comment: The DTNA c.1834A>G variant is predicted to result in the amino acid substitution p.Asn612Asp. To our knowledge, this variant has not been reported in the literature. This variant is reported in 0.0054% of alleles in individuals of European (Non-Finnish) descent in gnomAD. At this time, the clinical significance of this variant is uncertain due to the absence of conclusive functional and genetic evidence.

Women's Health and Genetics/Laboratory Corporation of America, LabCorp
Classification: Uncertain significance. Last evaluated: 2022-03-05. Review status: criteria provided, single submitter. Criteria: LabCorp Variant Classification Summary - May 2015. Collection method: clinical testing. Allele origin: germline.